The following is an entry in ClinVar:

NC_000009.12:g.(?_134699889)_(134700142_?)del

Gene: COL5A1 (collagen type V alpha 1 chain; plus strand). Cytogenetic location: 9q34.3.
Variant type: Deletion.
Identifiers: ClinVar variation 583819 (VCV000583819.6).

ClinVar aggregate classification (germline): Pathogenic. Review status: criteria provided, single submitter (1 of 4 stars). 2 submissions from 1 submitter: Pathogenic (2). Last evaluated 2018-05-01.

Conditions:
Ehlers-Danlos syndrome, classic type (cEDS). Identifiers: Orphanet 287, MedGen C4225429, MONDO:0007522.
Ehlers-Danlos syndrome, classic type, 1 (EDSCL1). Also called: Ehlers-Danlos Syndrome, Classic Type, COL5A1-Related; EDS I; Ehlers-Danlos syndrome, type 1; EHLERS-DANLOS SYNDROME, GRAVIS TYPE; EHLERS-DANLOS SYNDROME, SEVERE CLASSIC TYPE. Identifiers: MedGen C0268335, MONDO:0019567, OMIM 130000.

Submissions (2):

Labcorp Genetics (formerly Invitae), Labcorp
Classification: Pathogenic for Ehlers-Danlos syndrome, classic type. Last evaluated: 2018-05-01. Review status: criteria provided, single submitter. Criteria: Invitae Variant Classification Sherloc (09022015). Collection method: clinical testing. Allele origin: germline.
Comment: This variant is an out-of-frame deletion of the genomic region encompassing exon 3 of the COL5A1 gene. This is expected to create a premature translational stop signal and result in an absent or disrupted protein product. This variant has not been reported in the literature in individuals with COL5A1-related disease. Loss-of-function variants in COL5A1 are known to be pathogenic (PMID: 23587214). For these reasons, this variant has been classified as Pathogenic.

Labcorp Genetics (formerly Invitae), Labcorp
Classification: Pathogenic for Ehlers-Danlos syndrome, classic type, 1. Last evaluated: 2018-04-19. Review status: criteria provided, single submitter. Criteria: Invitae Variant Classification Sherloc (09022015). Collection method: clinical testing. Allele origin: germline.
Comment: Loss-of-function variants in COL5A1 are known to be pathogenic (PMID: 23587214). This variant is an out-of-frame deletion of the genomic region encompassing exon 3 of the COL5A1 gene. This is expected to create a premature translational stop signal and result in an absent or disrupted protein product. This variant has not been reported in the literature in individuals with COL5A1-related disease. For these reasons, this variant has been classified as Pathogenic.

Literature cited by the submitters: PubMed 23587214.